The following is an entry in ClinVar:

NM_000545.8(HNF1A):c.1407C>T (p.His469=)

Gene: HNF1A (HNF1 homeobox A; plus strand). Cytogenetic location: 12q24.31.
Variant type: single nucleotide variant.
Coding change: c.1407C>T on transcript NM_000545.8 (MANE Select); coding-DNA position 1407, C replaced by T.
Protein change: p.His469=; no amino-acid change (histidine 469 retained).
Molecular consequence: synonymous variant. On other transcripts: intron variant (1).
Genome position (GRCh38, 1-based): chr12:120,997,571, C>T. VCF-style: chr12-120997571-C-T. GRCh37 (hg19) VCF-style: chr12-121435374-C-T.
Other names: c.1407C>T, p.His469= (NM_001306179.2); c.1309+829C>T (NM_001406915.1).
Identifiers: ClinVar variation 3047074 (VCV003047074.2), dbSNP rs2135847815, ClinGen allele CA482165184.

ClinVar aggregate classification (germline): Likely benign (0 of 4 stars; one submission).

Conditions:
HNF1A-related disorder. Also called: HNF1A-related condition.

Submission:

PreventionGenetics, part of Exact Sciences
Classification: Likely benign for HNF1A-related condition. Last evaluated: 2020-03-24. Review status: no assertion criteria provided. Collection method: clinical testing. Allele origin: germline.
Comment: This variant is classified as likely benign based on ACMG/AMP sequence variant interpretation guidelines (Richards et al. 2015 PMID: 25741868, with internal and published modifications).